The following is an entry in ClinVar:

ClinVar aggregate classification (germline): Pathogenic. Review status: criteria provided, multiple submitters, no conflicts (2 of 4 stars). 4 submissions from 4 submitters: Pathogenic (4). Last evaluated 2023-12-26.

Conditions:
Peutz-Jeghers syndrome (PJS). Also called: POLYPOSIS, HAMARTOMATOUS INTESTINAL; POLYPS-AND-SPOTS SYNDROME; Peutz-Jeghers polyposis; Periorificial lentiginosis syndrome. Identifiers: Orphanet 2869, MedGen C0031269, MeSH D010580, MONDO:0008280, OMIM 175200.
Hereditary cancer-predisposing syndrome. Also called: Tumor predisposition; Neoplastic Syndromes, Hereditary; Hereditary neoplastic syndrome; Hereditary Cancer Syndrome. Identifiers: Orphanet 140162, MedGen C0027672, MeSH D009386, MONDO:0015356.

Submissions (4):

Labcorp Genetics (formerly Invitae), Labcorp
Classification: Pathogenic for Peutz-Jeghers syndrome. Last evaluated: 2023-12-26. Review status: criteria provided, single submitter. Criteria: Invitae Variant Classification Sherloc (09022015). Collection method: clinical testing. Allele origin: germline.
Comment: This sequence change affects a donor splice site in intron 5 of the STK11 gene. It is expected to disrupt RNA splicing. Variants that disrupt the donor or acceptor splice site typically lead to a loss of protein function (PMID: 16199547), and loss-of-function variants in STK11 are known to be pathogenic (PMID: 15188174, 16287113). This variant is not present in population databases (gnomAD no frequency). Disruption of this splice site has been observed in individuals with Peutz-Jeghers syndrome (PMID: 11389158, 24652667). This variant is also known as IVS5+1g>a. ClinVar contains an entry for this variant (Variation ID: 1068630). Algorithms developed to predict the effect of sequence changes on RNA splicing suggest that this variant may disrupt the consensus splice site. For these reasons, this variant has been classified as Pathogenic.

Ambry Genetics
Classification: Pathogenic for Hereditary cancer-predisposing syndrome. Last evaluated: 2021-12-03. Review status: criteria provided, single submitter. Criteria: Ambry Variant Classification Scheme 2023. Collection method: clinical testing. Allele origin: germline.
Comment: The c.734+1G>A intronic pathogenic mutation results from a G to A substitution one nucleotide after coding exon 5 of the STK11 gene. This variant has been detected in multiple individuals and/or families diagnosed with Peutz-Jeghers Syndrome (Olschwang S et al. J Med Genet, 2001 Jun;38:356-60; Lim W et al. Br J Cancer, 2003 Jul;89:308-13; Wang Z et al. Hum Mutat, 2014 Jul;35:851-8; Ambry internal data). Of note, this variant is also designated as IVS5+1G>A in some literature. This variant is considered to be rare based on population cohorts in the Genome Aggregation Database (gnomAD). This nucleotide position is highly conserved in available vertebrate species. In silico splice site analysis predicts that this alteration will weaken the native splice donor site and may result in the creation or strengthening of a novel splice donor site. Alterations that disrupt the canonical splice site are expected to cause aberrant splicing, resulting in an abnormal protein or a transcript that is subject to nonsense-mediated mRNA decay. As such, this alteration is classified as a disease-causing mutation.

Genome-Nilou Lab
Classification: Pathogenic for Peutz-Jeghers syndrome. Last evaluated: 2021-07-15. Review status: criteria provided, single submitter. Criteria: ACMG Guidelines, 2015. Collection method: clinical testing. Allele origin: germline. Affected: no.

Women's Health and Genetics/Laboratory Corporation of America, LabCorp
Classification: Pathogenic for Peutz-Jeghers syndrome. Last evaluated: 2021-06-26. Review status: criteria provided, single submitter. Criteria: LabCorp Variant Classification Summary - May 2015. Collection method: clinical testing. Allele origin: germline.
Comment: Variant summary: STK11 c.734+1G>A is located in a canonical splice-site and is predicted to affect mRNA splicing resulting in a significantly altered protein due to either exon skipping, shortening, or inclusion of intronic material. Several computational tools predict a significant impact on normal splicing: Four predict the variant abolishes a 5 splicing donor site. However, these predictions have yet to be confirmed by functional studies. The variant was absent in 239620 control chromosomes (gnomAD). c.734+1G>A has been reported in the literature in individuals affected with Peutz-Jeghers Syndrome (e.g. Olschwang_2001, Lim_2003, Wang_2014, Zhang_2020). These data indicate that the variant is likely to be associated with disease. To our knowledge, no experimental evidence demonstrating an impact on protein function has been reported. A ClinVar submitter (evaluation after 2014) cites the variant as pathogenic. Based on the evidence outlined above, the variant was classified as pathogenic.

Literature cited by the submitters: PubMed 16199547 (cited by Labcorp Genetics (formerly Invitae), Labcorp); PubMed 15188174 (cited by Labcorp Genetics (formerly Invitae), Labcorp); PubMed 16287113 (cited by Labcorp Genetics (formerly Invitae), Labcorp); PubMed 11389158 (cited by 3 submitters); PubMed 24652667 (cited by 3 submitters); PubMed 12865922 (cited by Ambry Genetics and Women's Health and Genetics/Laboratory Corporation of America, LabCorp); PubMed 32390703 (cited by Women's Health and Genetics/Laboratory Corporation of America, LabCorp).

NM_000455.5(STK11):c.734+1G>A

Gene: STK11 (serine/threonine kinase 11; plus strand). Cytogenetic location: 19p13.3.
Variant type: single nucleotide variant.
Coding change: c.734+1G>A on transcript NM_000455.5 (MANE Select); the canonical splice donor site of the intron after coding-DNA position 734, G replaced by A.
Molecular consequence: splice donor variant.
Genome position (GRCh38, 1-based): chr19:1,220,718, G>A. VCF-style: chr19-1220718-G-A. GRCh37 (hg19) VCF-style: chr19-1220717-G-A.
Other names: c.734+1G>A (NM_001407255.1).
Identifiers: ClinVar variation 1068630 (VCV001068630.14), dbSNP rs587782018, ClinGen allele CA402950017.